The following is an entry in ClinVar:

ClinVar aggregate classification (germline): Uncertain significance (1 of 4 stars; one submission).

Conditions:
Finnish congenital nephrotic syndrome (NPHS1). Also called: NEPHROTIC SYNDROME, TYPE 1. Identifiers: Orphanet 839, MedGen C0403399, MONDO:0009732, OMIM 256300.

Submission:

UAEU Genomics Laboratory, United Arab Emirates University
Classification: Uncertain significance for Finnish congenital nephrotic syndrome. Last evaluated: 2022-12-27. Review status: criteria provided, single submitter. Criteria: ACMG Guidelines, 2015. Collection method: research. Allele origin: germline. Affected: yes. Observed: 1 variant allele.
Comment: PM2, PP3_Moderate, PM3

NM_004646.4(NPHS1):c.845G>T (p.Gly282Val)

Gene: NPHS1 (NPHS1 adhesion molecule, nephrin; minus strand). Cytogenetic location: 19q13.12.
Variant type: single nucleotide variant.
Coding change: c.845G>T on transcript NM_004646.4 (MANE Select); coding-DNA position 845, G replaced by T.
Protein change: p.Gly282Val; replaces glycine 282 with valine.
Molecular consequence: missense variant.
Genome position (GRCh38, 1-based): chr19:35,849,143, C>A on the plus strand (G>T on the coding strand, the complement: NPHS1 is on the minus strand). VCF-style: chr19-35849143-C-A. GRCh37 (hg19) VCF-style: chr19-36340045-C-A.
Other names: short protein forms G282V.
Identifiers: ClinVar variation 5042550 (VCV005042550.1).
Genomic context (GRCh38, chr19:35,849,143, plus strand): 5'-AGCACACTGCGGGCCACCGCCTGGGTGTGCTCTGTGCCCCACGCTGTGGACACCGGCTGG[C>A]CATTCTGGAGACAGGGACAGGCCTGGGCCAGCTCAGGACTGGCTCCCAGACCCCACTGTC-3'
Protein context (NP_004637.1, residues 272-292): PLATLQWLKN[Gly282Val]QPVSTAWGTE